The following is an entry in ClinVar:

NM_015570.4(AUTS2):c.2830G>A (p.Val944Met)

Gene: AUTS2 (activator of transcription and developmental regulator AUTS2; plus strand). Cytogenetic location: 7q11.22.
Variant type: single nucleotide variant.
Coding change: c.2830G>A on transcript NM_015570.4 (MANE Select); coding-DNA position 2830, G replaced by A.
Protein change: p.Val944Met; replaces valine 944 with methionine.
Molecular consequence: missense variant.
Genome position (GRCh38, 1-based): chr7:70,790,046, G>A. VCF-style: chr7-70790046-G-A. GRCh37 (hg19) VCF-style: chr7-70255032-G-A.
Other names: c.2758G>A, p.Val920Met (NM_001127231.3); short protein forms V944M, V920M.
Identifiers: ClinVar variation 1985833 (VCV001985833.4), dbSNP rs781437098, ClinGen allele CA367664918.

ClinVar aggregate classification (germline): Uncertain significance (1 of 4 stars; one submission).

gnomAD v4.1: 5 of 1,580,542 alleles (0.00032%); highest among the groups gnomAD compares: African/African-American, 0.0054%; no homozygotes.

Submission:

Labcorp Genetics (formerly Invitae), Labcorp
Classification: Uncertain significance. Last evaluated: 2023-07-14. Review status: criteria provided, single submitter. Criteria: Invitae Variant Classification Sherloc (09022015). Collection method: clinical testing. Allele origin: germline.
Comment: In summary, the available evidence is currently insufficient to determine the role of this variant in disease. Therefore, it has been classified as a Variant of Uncertain Significance. Advanced modeling of protein sequence and biophysical properties (such as structural, functional, and spatial information, amino acid conservation, physicochemical variation, residue mobility, and thermodynamic stability) performed at Invitae indicates that this missense variant is not expected to disrupt AUTS2 protein function. ClinVar contains an entry for this variant (Variation ID: 1985833). This variant has not been reported in the literature in individuals affected with AUTS2-related conditions. The frequency data for this variant in the population databases is considered unreliable, as metrics indicate poor data quality at this position in the gnomAD database. This sequence change replaces valine, which is neutral and non-polar, with methionine, which is neutral and non-polar, at codon 944 of the AUTS2 protein (p.Val944Met).